The following is an entry in ClinVar:

NM_001034116.2(EIF2B4):c.163_177del (p.Gly55_Glu59del)

Gene: EIF2B4 (eukaryotic translation initiation factor 2B subunit delta; minus strand). Cytogenetic location: 2p23.3.
Variant type: Deletion.
Coding change: c.163_177del on transcript NM_001034116.2 (MANE Select); coding-DNA positions 163 to 177, 15 bases deleted (GGGGCAGAACCAGAG).
Protein change: p.Gly55_Glu59del.
Molecular consequence: inframe deletion. On other transcripts: 5 prime UTR variant (2).
Genome position (GRCh38, 1-based): chr2:27,369,448-27,369,462, CTCTGGTTCTGCCCC deleted on the plus strand (GGGGCAGAACCAGAG on the coding strand, the reverse complement: EIF2B4 is on the minus strand); deleting any 15 consecutive bases within chr2:27,369,448-27,369,464 gives the same sequence; the c. name uses the placement nearest the transcript's 3' end. VCF-style (leftmost placement, unchanged base first): chr2-27369447-TCTCTGGTTCTGCCCC-T. GRCh37 (hg19) VCF-style: chr2-27592314-TCTCTGGTTCTGCCCC-T.
Other names: c.226_240del, p.Gly76_Glu80del (NM_001318965.2, NM_172195.4); c.118_132del, p.Gly40_Glu44del (NM_001318966.2); c.73_87del, p.Gly25_Glu29del (NM_001318967.2); c.-353_-339del (NM_001318968.2); c.-430_-416del (NM_001318969.2); c.163_177del, p.Gly55_Glu59del (NM_015636.4).
Identifiers: ClinVar variation 1925748 (VCV001925748.5), dbSNP rs1192785291, ClinGen allele CA531448482.

ClinVar aggregate classification (germline): Uncertain significance. Review status: criteria provided, multiple submitters, no conflicts (2 of 4 stars). 2 submissions from 2 submitters: Uncertain significance (2). Last evaluated 2024-11-14.

Conditions:
Inborn genetic diseases. Identifiers: MedGen C0950123, MeSH D030342.

Submissions (2):

Labcorp Genetics (formerly Invitae), Labcorp
Classification: Uncertain significance. Last evaluated: 2024-11-14. Review status: criteria provided, single submitter. Criteria: Invitae Variant Classification Sherloc (09022015). Collection method: clinical testing. Allele origin: germline.
Comment: This variant, c.163_177del, results in the deletion of 5 amino acid(s) of the EIF2B4 protein (p.Gly55_Glu59del), but otherwise preserves the integrity of the reading frame. This variant is present in population databases (no rsID available, gnomAD 0.006%). This variant has not been reported in the literature in individuals affected with EIF2B4-related conditions. ClinVar contains an entry for this variant (Variation ID: 1925748). Experimental studies and prediction algorithms are not available or were not evaluated, and the functional significance of this variant is currently unknown. In summary, the available evidence is currently insufficient to determine the role of this variant in disease. Therefore, it has been classified as a Variant of Uncertain Significance.

Ambry Genetics
Classification: Uncertain significance for Inborn genetic diseases. Last evaluated: 2022-07-21. Review status: criteria provided, single submitter. Criteria: Ambry Variant Classification Scheme 2023. Collection method: clinical testing. Allele origin: germline.
Comment: The c.163_177del15 (p.G55_E59del) alteration is located in exon 3 (coding exon 3) of the EIF2B4 gene. This alteration consists of an in-frame deletion of 15 nucleotides between nucleotide positions c.163 and c.177, resulting in the deletion of 5 residues. Based on insufficient or conflicting evidence, the clinical significance of this alteration remains unclear.